The following is an entry in ClinVar:

NM_000384.3(APOB):c.1262C>T (p.Pro421Leu)

Gene: APOB (apolipoprotein B; minus strand). Cytogenetic location: 2p24.1.
Variant type: single nucleotide variant.
Coding change: c.1262C>T on transcript NM_000384.3 (MANE Select); coding-DNA position 1262, C replaced by T.
Protein change: p.Pro421Leu; replaces proline 421 with leucine.
Molecular consequence: missense variant.
Genome position (GRCh38, 1-based): chr2:21,032,444, G>A on the plus strand (C>T on the coding strand, the complement: APOB is on the minus strand). VCF-style: chr2-21032444-G-A. GRCh37 (hg19) VCF-style: chr2-21255316-G-A.
Other names: short protein forms P421L.
Identifiers: ClinVar variation 4125474 (VCV004125474.1).

ClinVar aggregate classification (germline): Uncertain significance (1 of 4 stars; one submission).

Conditions:
Cardiovascular phenotype. Identifiers: MedGen CN230736.

Submission:

Ambry Genetics
Classification: Uncertain significance for Cardiovascular phenotype. Last evaluated: 2025-08-31. Review status: criteria provided, single submitter. Criteria: Ambry Variant Classification Scheme 2023. Collection method: clinical testing. Allele origin: germline.
Comment: The p.P421L variant (also known as c.1262C>T), located in coding exon 10 of the APOB gene, results from a C to T substitution at nucleotide position 1262. The proline at codon 421 is replaced by leucine, an amino acid with similar properties. This amino acid position is conserved. In addition, this alteration is predicted to be deleterious by in silico analysis. Based on the available evidence, the clinical significance of this variant remains unclear.